The following is an entry in ClinVar:

NM_000540.3(RYR1):c.10259+10G>C

Gene: RYR1 (ryanodine receptor 1; plus strand). Cytogenetic location: 19q13.2.
Variant type: single nucleotide variant.
Coding change: c.10259+10G>C on transcript NM_000540.3 (MANE Select); 10 bases into the intron after coding-DNA position 10259, G replaced by C.
Molecular consequence: intron variant.
Genome position (GRCh38, 1-based): chr19:38,519,464, G>C. VCF-style: chr19-38519464-G-C. GRCh37 (hg19) VCF-style: chr19-39010104-G-C.
Other names: p.?; c.10259+10G>C (NM_001042723.2).
Identifiers: ClinVar variation 514300 (VCV000514300.13), dbSNP rs187018043, ClinGen allele CA052731.
Genomic context (GRCh38, chr19:38,519,464, plus strand): 5'-GGACCTCTACGCCCTGTATCCGCTGCTCATCCGCTACGTGGACAACAACAGGTCAGCGGG[G>C]CCCCGCTGTCCCCATGCCCTCCGCCCCGACCTCCCACGTCCTCCAGCCCCATCTGATCTC-3'

ClinVar aggregate classification (germline): Likely benign. Review status: criteria provided, multiple submitters, no conflicts (2 of 4 stars). 4 submissions from 4 submitters: Likely benign (4). Last evaluated 2025-09-28.

Conditions:
RYR1-related disorder. Also called: RYR1-related condition; RYR1-related disorders. Identifiers: MedGen CN239331.

Allele frequency attached by ClinVar (database versions not stated): ESP Exome Variant Server 0.00015; TOPMed 0.00022.
gnomAD v4.1: 42 of 1,586,210 alleles (0.0026%); highest among the groups gnomAD compares: African/African-American, 0.054%; no homozygotes.

Submissions (4):

Labcorp Genetics (formerly Invitae), Labcorp
Classification: Likely benign for RYR1-related disorder. Last evaluated: 2025-09-28. Review status: criteria provided, single submitter. Criteria: Invitae Variant Classification Sherloc (09022015). Collection method: clinical testing. Allele origin: germline.

Mayo Clinic Laboratories, Mayo Clinic
Classification: Likely benign. Last evaluated: 2025-03-06. Review status: criteria provided, single submitter. Criteria: ACMG Guidelines, 2015. Collection method: clinical testing. Allele origin: germline. Observed: 2 variant alleles.
Comment: BP4, BP7

Blueprint Genetics
Classification: Likely benign. Last evaluated: 2019-03-20. Review status: criteria provided, single submitter. Criteria: ACMG Guidelines, 2015. Collection method: clinical testing. Allele origin: germline.

GeneDx
Classification: Likely benign. Last evaluated: 2017-12-22. Review status: criteria provided, single submitter. Criteria: GeneDx Variant Classification (06012015). Collection method: clinical testing. Allele origin: germline. Affected: yes.
Comment: This variant is considered likely benign or benign based on one or more of the following criteria: it is a conservative change, it occurs at a poorly conserved position in the protein, it is predicted to be benign by multiple in silico algorithms, and/or has population frequency not consistent with disease.